The following is an entry in ClinVar:

ClinVar aggregate classification (germline): Conflicting classifications of pathogenicity. Review status: criteria provided, conflicting classifications (1 of 4 stars). 4 submissions from 4 submitters: Uncertain significance (3); Likely benign (1). Last evaluated 2024-03-09.

Conditions:
Hypoparathyroidism, deafness, renal disease syndrome (HDRS). Also called: HYPOPARATHYROIDISM, SENSORINEURAL DEAFNESS, AND RENAL DYSPLASIA SYNDROME. Identifiers: Orphanet 2237, MedGen C1840333, MONDO:0007797, OMIM 146255.
Hearing impairment. Also called: Impaired Hearing. Identifiers: MedGen C1384666, MONDO:0005365, HP:0000365.

Allele frequency attached by ClinVar (database versions not stated): ExAC 0.00002; gnomAD 0.00003; gnomAD exomes 0.00004 and 0.00005; TOPMed 0.00005; 1000 Genomes Project 30x 0.00016.
gnomAD v4.1: 67 of 1,613,022 alleles (0.0042%); highest among the groups gnomAD compares: Non-Finnish European, 0.0054%; no homozygotes.

Submissions (4):

Fulgent Genetics
Classification: Likely benign for Hypoparathyroidism, deafness, renal disease syndrome. Last evaluated: 2024-03-09. Review status: criteria provided, single submitter. Criteria: ACMG Guidelines, 2015. Collection method: clinical testing. Allele origin: germline.

Labcorp Genetics (formerly Invitae), Labcorp
Classification: Uncertain significance. Last evaluated: 2023-09-01. Review status: criteria provided, single submitter. Criteria: Invitae Variant Classification Sherloc (09022015). Collection method: clinical testing. Allele origin: germline.
Comment: This sequence change replaces threonine, which is neutral and polar, with methionine, which is neutral and non-polar, at codon 120 of the GATA3 protein (p.Thr120Met). This variant is present in population databases (rs750735308, gnomAD 0.009%). In summary, the available evidence is currently insufficient to determine the role of this variant in disease. Therefore, it has been classified as a Variant of Uncertain Significance. Advanced modeling of protein sequence and biophysical properties (such as structural, functional, and spatial information, amino acid conservation, physicochemical variation, residue mobility, and thermodynamic stability) performed at Invitae indicates that this missense variant is not expected to disrupt GATA3 protein function. ClinVar contains an entry for this variant (Variation ID: 424946). This variant has not been reported in the literature in individuals affected with GATA3-related conditions.

Department of Otolaryngology – Head & Neck Surgery, Cochlear Implant Center
Classification: Uncertain significance for Hearing impairment. Last evaluated: 2021-04-12. Review status: criteria provided, single submitter. Criteria: ClinGen HL ACMG Specifications v1. Collection method: clinical testing. Allele origin: germline. Affected: yes.
Comment: PP3_Supporting, BS2_Strong

CeGaT Center for Human Genetics Tuebingen
Classification: Uncertain significance. Last evaluated: 2017-01-01. Review status: criteria provided, single submitter. Criteria: CeGaT Center For Human Genetics Tuebingen Variant Classification Criteria Version 2. Collection method: clinical testing. Allele origin: germline. Affected: yes. Observed: 1 variant allele.

NM_001002295.2(GATA3):c.359C>T (p.Thr120Met)

Gene: GATA3 (GATA binding protein 3; plus strand). Cytogenetic location: 10p14.
Variant type: single nucleotide variant.
Coding change: c.359C>T on transcript NM_001002295.2 (MANE Select); coding-DNA position 359, C replaced by T.
Protein change: p.Thr120Met; replaces threonine 120 with methionine.
Molecular consequence: missense variant.
Genome position (GRCh38, 1-based): chr10:8,058,422, C>T. VCF-style: chr10-8058422-C-T. GRCh37 (hg19) VCF-style: chr10-8100385-C-T.
Other names: c.359C>T, p.Thr120Met (NM_002051.3); short protein forms T120M.
Identifiers: ClinVar variation 424946 (VCV000424946.52), dbSNP rs750735308, ClinGen allele CA5404345.